The following is an entry in ClinVar:

NM_000465.4(BARD1):c.273G>A (p.Trp91Ter)

Gene: BARD1 (BRCA1 associated RING domain 1; minus strand). Cytogenetic location: 2q35.
Variant type: single nucleotide variant.
Coding change: c.273G>A on transcript NM_000465.4 (MANE Select); coding-DNA position 273, G replaced by A.
Protein change: p.Trp91Ter; replaces tryptophan 91 with a stop codon.
Molecular consequence: nonsense. On other transcripts: non-coding transcript variant (1), intron variant (2).
Genome position (GRCh38, 1-based): chr2:214,792,388, C>T on the plus strand (G>A on the coding strand, the complement: BARD1 is on the minus strand). VCF-style: chr2-214792388-C-T. GRCh37 (hg19) VCF-style: chr2-215657112-C-T.
Other names: c.216G>A, p.Trp72Ter (NM_001282543.2); c.273G>A, p.Trp91Ter (NM_001282549.2); c.158+17024G>A (NM_001282548.2); c.215+4673G>A (NM_001282545.2); c.273G>A (NM_000465.2); short protein forms W72*, W91*.
Identifiers: ClinVar variation 1070091 (VCV001070091.12), dbSNP rs2106135008, ClinGen allele CA350461115.

ClinVar aggregate classification (germline): Pathogenic. Review status: criteria provided, multiple submitters, no conflicts (2 of 4 stars). 3 submissions from 3 submitters: Pathogenic (3). Last evaluated 2024-12-06.

Conditions:
Hereditary cancer-predisposing syndrome. Also called: Hereditary neoplastic syndrome; Tumor predisposition; Hereditary Cancer Syndrome; Neoplastic Syndromes, Hereditary. Identifiers: Orphanet 140162, MedGen C0027672, MeSH D009386, MONDO:0015356.
Familial cancer of breast. Also called: hereditary breast carcinoma; BREAST CANCER, FAMILIAL; Hereditary breast cancer. Identifiers: Orphanet 227535, MedGen C0346153, MONDO:0016419, OMIM 114480. Disease mechanism: loss of function.

Allele frequency attached by ClinVar (database versions not stated): gnomAD exomes below 0.00001.
gnomAD v4.1: 2 of 1,612,558 alleles (0.00012%); highest among the groups gnomAD compares: Non-Finnish European, 0.00017%; no homozygotes.

Submissions (3):

Ambry Genetics
Classification: Pathogenic for Hereditary cancer-predisposing syndrome. Last evaluated: 2024-12-06. Review status: criteria provided, single submitter. Criteria: Ambry Variant Classification Scheme 2023. Collection method: clinical testing. Allele origin: germline.
Comment: The p.W91* pathogenic mutation (also known as c.273G>A), located in coding exon 3 of the BARD1 gene, results from a G to A substitution at nucleotide position 273. This changes the amino acid from a tryptophan to a stop codon within coding exon 3. This variant is considered to be rare based on population cohorts in the Genome Aggregation Database (gnomAD). This alteration is expected to result in loss of function by premature protein truncation or nonsense-mediated mRNA decay. As such, this alteration is interpreted as a disease-causing mutation.

Labcorp Genetics (formerly Invitae), Labcorp
Classification: Pathogenic for Familial cancer of breast. Last evaluated: 2024-09-19. Review status: criteria provided, single submitter. Criteria: Invitae Variant Classification Sherloc (09022015). Collection method: clinical testing. Allele origin: germline.
Comment: This sequence change creates a premature translational stop signal (p.Trp91*) in the BARD1 gene. It is expected to result in an absent or disrupted protein product. Loss-of-function variants in BARD1 are known to be pathogenic (PMID: 20077502, 21344236). This variant is not present in population databases (gnomAD no frequency). This variant has not been reported in the literature in individuals affected with BARD1-related conditions. ClinVar contains an entry for this variant (Variation ID: 1070091). For these reasons, this variant has been classified as Pathogenic.

Myriad Genetics, Inc.
Classification: Pathogenic for Familial cancer of breast. Last evaluated: 2023-05-18. Review status: criteria provided, single submitter. Criteria: Myriad Autosomal Dominant, Autosomal Recessive and X-Linked Classification Criteria (2023). Collection method: clinical testing. Allele origin: unknown.
Comment: This variant is considered pathogenic. This variant creates a termination codon and is predicted to result in premature protein truncation.

Literature cited by the submitters: PubMed 20077502 (cited by Labcorp Genetics (formerly Invitae), Labcorp); PubMed 21344236 (cited by Labcorp Genetics (formerly Invitae), Labcorp).